The following is an entry in ClinVar:

ClinVar aggregate classification (germline): Conflicting classifications of pathogenicity. Review status: criteria provided, conflicting classifications (1 of 4 stars). 3 submissions from 3 submitters: Likely pathogenic (1); Uncertain significance (2). Last evaluated 2025-07-03.

Conditions:
Cardiomyopathy (CMYO). Also called: Cardiomyopathies. Identifiers: Orphanet 167848, MedGen C0878544, MONDO:0004994, HP:0001638. Inheritance: Various modes of inheritance.
Hypertrophic cardiomyopathy. Also called: HYPERTROPHIC MYOCARDIOPATHY. Identifiers: Orphanet 217569, MedGen C0007194, MeSH D002312, MONDO:0005045, HP:0001639.

Allele frequency attached by ClinVar (database versions not stated): gnomAD exomes below 0.00001.
gnomAD v4.1: 1 of 1,614,174 alleles (0.000062%); highest among the groups gnomAD compares: East Asian, 0.0022%; no homozygotes.

Submissions (3):

Color Diagnostics, LLC DBA Color Health
Classification: Uncertain significance for Cardiomyopathy. Last evaluated: 2025-07-03. Review status: criteria provided, single submitter. Criteria: ACMG Guidelines, 2015. Collection method: clinical testing. Allele origin: germline.
Comment: This missense variant replaces methionine with lysine at codon 435 of the MYH7 protein. This variant is found within a highly conserved region of the myosin head domain. Missense variants in this region have been shown to be significantly overrepresented in individuals with affected with hypertrophic cardiomyopathy (PMID: 27532257). Computational prediction suggests that this variant may have a deleterious impact on protein structure and function. To our knowledge, functional studies have not been reported for this variant. This variant has not been reported in individuals affected with MYH7-related disorders in the literature. This variant has not been identified in the general population by the Genome Aggregation Database (gnomAD). The available evidence is insufficient to determine the role of this variant in disease conclusively. Therefore, this variant is classified as a Variant of Uncertain Significance.

CeGaT Center for Human Genetics Tuebingen
Classification: Likely pathogenic. Last evaluated: 2023-12-01. Review status: criteria provided, single submitter. Criteria: CeGaT Center For Human Genetics Tuebingen Variant Classification Criteria Version 2. Collection method: clinical testing. Allele origin: germline. Affected: yes. Observed: 4 variant alleles.
Comment: MYH7: PM1, PM2, PM5:Supporting, PP3

Labcorp Genetics (formerly Invitae), Labcorp
Classification: Uncertain significance for Hypertrophic cardiomyopathy. Last evaluated: 2020-02-04. Review status: criteria provided, single submitter. Criteria: Invitae Variant Classification Sherloc (09022015). Collection method: clinical testing. Allele origin: germline.
Comment: This variant has not been reported in the literature in individuals with MYH7-related conditions. This sequence change replaces methionine with lysine at codon 435 of the MYH7 protein (p.Met435Lys). The methionine residue is highly conserved and there is a moderate physicochemical difference between methionine and lysine. This variant is not present in population databases (ExAC no frequency). Algorithms developed to predict the effect of missense changes on protein structure and function are either unavailable or do not agree on the potential impact of this missense change (SIFT: "Deleterious"; PolyPhen-2: "Probably Damaging"; Align-GVGD: "Class C0"). This variant is found within a region of MYH7 between codons 181 and 937 that contains the majority of the myosin head domain. Missense variants in this region have been shown to be significantly overrepresented in individuals with hypertrophic cardiomyopathy (PMID: 27532257). In summary, the available evidence is currently insufficient to determine the role of this variant in disease. Therefore, it has been classified as a Variant of Uncertain Significance.

Literature cited by the submitters: PubMed 27532257 (cited by Color Diagnostics, LLC DBA Color Health and Labcorp Genetics (formerly Invitae), Labcorp).

NM_000257.4(MYH7):c.1304T>A (p.Met435Lys)

Gene: MYH7 (myosin heavy chain 7; minus strand). Cytogenetic location: 14q11.2.
Variant type: single nucleotide variant.
Coding change: c.1304T>A on transcript NM_000257.4 (MANE Select); coding-DNA position 1304, T replaced by A.
Protein change: p.Met435Lys; replaces methionine 435 with lysine.
Molecular consequence: missense variant.
Genome position (GRCh38, 1-based): chr14:23,429,058, A>T on the plus strand (T>A on the coding strand, the complement: MYH7 is on the minus strand). VCF-style: chr14-23429058-A-T. GRCh37 (hg19) VCF-style: chr14-23898267-A-T.
Other names: short protein forms M435K.
Identifiers: ClinVar variation 1035035 (VCV001035035.33), dbSNP rs1484300349, ClinGen allele CA389050908.